The following is an entry in ClinVar:

ClinVar aggregate classification (germline): Uncertain significance (0 of 4 stars; one submission).

Conditions:
DLG4-related disorder. Also called: DLG4-related condition.

Submission:

PreventionGenetics, part of Exact Sciences
Classification: Uncertain significance for DLG4-related condition. Last evaluated: 2024-01-18. Review status: no assertion criteria provided. Collection method: clinical testing. Allele origin: germline.
Comment: The DLG4 c.797T>C variant is predicted to result in the amino acid substitution p.Val266Ala. To our knowledge, this variant has not been reported in the literature or in a large population database, indicating this variant is rare. At this time, the clinical significance of this variant is uncertain due to the absence of conclusive functional and genetic evidence.

NM_001321075.3(DLG4):c.668T>C (p.Val223Ala)

Gene: DLG4 (discs large MAGUK scaffold protein 4; minus strand). Cytogenetic location: 17p13.1.
Variant type: single nucleotide variant.
Coding change: c.668T>C on transcript NM_001321075.3 (MANE Select); coding-DNA position 668, T replaced by C.
Protein change: p.Val223Ala; replaces valine 223 with alanine.
Molecular consequence: missense variant. On other transcripts: non-coding transcript variant (1).
Genome position (GRCh38, 1-based): chr17:7,203,022, A>G on the plus strand (T>C on the coding strand, the complement: DLG4 is on the minus strand). VCF-style: chr17-7203022-A-G. GRCh37 (hg19) VCF-style: chr17-7106341-A-G.
Other names: c.659T>C, p.Val220Ala (NM_001128827.4); c.788T>C, p.Val263Ala (NM_001321074.1); c.488T>C, p.Val163Ala (NM_001321076.3, NM_001321077.3); c.797T>C, p.Val266Ala (NM_001365.5); c.587T>C, p.Val196Ala (NM_001369566.3); short protein forms V163A, V196A, V220A, V223A, V263A, V266A.
Identifiers: ClinVar variation 3033032 (VCV003033032.2), dbSNP rs2508015024, ClinGen allele CA397718325.